The following is an entry in ClinVar:

NM_000053.4(ATP7B):c.3712A>G (p.Lys1238Glu)

Gene: ATP7B (ATPase copper transporting beta; minus strand). Cytogenetic location: 13q14.3.
Variant type: single nucleotide variant.
Coding change: c.3712A>G on transcript NM_000053.4 (MANE Select); coding-DNA position 3712, A replaced by G.
Protein change: p.Lys1238Glu; replaces lysine 1238 with glutamic acid.
Molecular consequence: missense variant. On other transcripts: intron variant (1).
Genome position (GRCh38, 1-based): chr13:51,937,667, T>C on the plus strand (A>G on the coding strand, the complement: ATP7B is on the minus strand). VCF-style: chr13-51937667-T-C. GRCh37 (hg19) VCF-style: chr13-52511803-T-C.
Other names: c.3031A>G, p.Lys1011Glu (NM_001406546.1); c.2869A>G, p.Lys957Glu (NM_001406547.1); c.2422A>G, p.Lys808Glu (NM_001406548.1); c.3700-274A>G (NM_001406526.1); c.3091A>G, p.Lys1031Glu (NM_001005918.3); c.3379A>G, p.Lys1127Glu (NM_001243182.2); c.3478A>G, p.Lys1160Glu (NM_001330578.2, NM_001406527.1, NM_001406528.1); c.3460A>G, p.Lys1154Glu (NM_001330579.2, NM_001406531.1, NM_001406532.1); and 21 more; short protein forms K1011E, K1022E, K1031E, K1044E, K1074E, K1076E, K1089E, K1095E.
Identifiers: ClinVar variation 3387384 (VCV003387384.1).
Genomic context (GRCh38, chr13:51,937,667, plus strand): 5'-TATTCTGGAGCTCCTGGACCTTGGCCACCTTGTGCGAAGGCAGCACCTCTGCAAAGACTT[T>C]GTTGATGCCAACCTAAGACAAAAGGAAGGCAATGCCTAGTGTTGGCAAAAGGTATCAGAT-3'
Protein context (NP_000044.2, residues 1228-1248): RAIATQVGIN[Lys1238Glu]VFAEVLPSHK

ClinVar aggregate classification (germline): Uncertain significance (1 of 4 stars; one submission).

Conditions:
Wilson disease (WND). Also called: Wilson's disease. Identifiers: Orphanet 905, MedGen C0019202, MONDO:0010200, OMIM 277900. Disease mechanism: loss of function.

gnomAD v4.1: 6 of 1,614,236 alleles (0.00037%); highest among the groups gnomAD compares: Non-Finnish European, 0.00051%; no homozygotes.

Submission:

All of Us Research Program, National Institutes of Health
Classification: Uncertain significance for Wilson disease. Last evaluated: 2024-08-30. Review status: criteria provided, single submitter. Criteria: ACMG Guidelines, 2015. Collection method: clinical testing. Allele origin: germline. Inheritance: Autosomal recessive inheritance. Observed: 1 variant allele, 1 heterozygote.
Comment: This study involves interpretation of variants in research participants for the purpose of population health screening. Participant phenotype was not available at the time of variant classification. Additional details can be found in publication PMID: 35346344, PMCID: PMC8962531